The following is an entry in ClinVar:

ClinVar aggregate classification (germline): Benign/Likely benign. Review status: criteria provided, multiple submitters, no conflicts (2 of 4 stars). 13 submissions from 13 submitters: Benign (7); Likely benign (4). 2 of the submissions do not count toward it. Last evaluated 2026-08-01.

Conditions:
Autoinflammatory syndrome. Identifiers: Orphanet 93665, MedGen C3890737, MONDO:0019751.
Pyogenic arthritis-pyoderma gangrenosum-acne syndrome (PAPA). Also called: PAPA SYNDROME; FAMILIAL RECURRENT ARTHRITIS. Identifiers: Orphanet 69126, MedGen C1858361, MONDO:0011462, OMIM 604416.

Allele frequency attached by ClinVar (database versions not stated): 1000 Genomes Project 30x 0.00109; 1000 Genomes Project 0.00120; ESP Exome Variant Server 0.00129; gnomAD exomes 0.00174; gnomAD 0.00218 and 0.00232; TOPMed 0.00248; ExAC 0.00332.
gnomAD v4.1: 1,886 of 1,584,092 alleles (0.12%); highest among the groups gnomAD compares: Middle Eastern, 0.62%; 10 homozygotes.

Submissions (13):

CeGaT Center for Human Genetics Tuebingen
Classification: Likely benign. Last evaluated: 2026-08-01. Review status: criteria provided, single submitter. Criteria: CeGaT Center For Human Genetics Tuebingen Variant Classification Criteria Version 2. Collection method: clinical testing. Allele origin: germline. Affected: yes. Observed: 7 variant alleles.
Comment: PSTPIP1: BP4, BP7

Women's Health and Genetics/Laboratory Corporation of America, LabCorp
Classification: Benign. Last evaluated: 2026-06-08. Review status: criteria provided, single submitter. Criteria: LabCorp Variant Classification Summary - May 2015. Collection method: clinical testing. Allele origin: germline.

Labcorp Genetics (formerly Invitae), Labcorp
Classification: Benign for Pyogenic arthritis-pyoderma gangrenosum-acne syndrome. Last evaluated: 2026-02-01. Review status: criteria provided, single submitter. Criteria: Invitae Variant Classification Sherloc (09022015). Collection method: clinical testing. Allele origin: germline.

Mayo Clinic Laboratories, Mayo Clinic
Classification: Likely benign. Last evaluated: 2025-10-23. Review status: criteria provided, single submitter. Criteria: ACMG Guidelines, 2015. Collection method: clinical testing. Allele origin: germline. Observed: 3 variant alleles.
Comment: BS2, BP4, BP7

ARUP Laboratories, Molecular Genetics and Genomics, ARUP Laboratories
Classification: Benign. Last evaluated: 2025-07-29. Review status: criteria provided, single submitter. Criteria: ARUP Molecular Germline Variant Investigation Process 2024. Collection method: clinical testing. Allele origin: germline.

Blueprint Genetics
Classification: Likely benign. Last evaluated: 2024-11-26. Review status: criteria provided, single submitter. Criteria: ACMG Guidelines, 2015. Collection method: clinical testing. Allele origin: germline.

Genome Diagnostics Laboratory, The Hospital for Sick Children
Classification: Benign for Autoinflammatory syndrome. Last evaluated: 2022-03-17. Review status: criteria provided, single submitter. Criteria: ACMG Guidelines, 2015. Collection method: clinical testing. Allele origin: germline. Affected: yes.

Fulgent Genetics
Classification: Likely benign for Pyogenic arthritis-pyoderma gangrenosum-acne syndrome. Last evaluated: 2021-09-01. Review status: criteria provided, single submitter. Criteria: ACMG Guidelines, 2015. Collection method: clinical testing. Allele origin: unknown.

Illumina Laboratory Services, Illumina
Classification: Benign for Pyogenic arthritis-pyoderma gangrenosum-acne syndrome. Last evaluated: 2018-01-12. Review status: criteria provided, single submitter. Criteria: ICSL Variant Classification Criteria 13 December 2019. Collection method: clinical testing. Allele origin: germline.
Comment: This variant was observed in the ICSL laboratory as part of a predisposition screen in an ostensibly healthy population. It had not been previously curated by ICSL or reported in the Human Gene Mutation Database (HGMD: prior to June 1st, 2018), and was therefore a candidate for classification through an automated scoring system. Utilizing variant allele frequency, disease prevalence and penetrance estimates, and inheritance mode, an automated score was calculated to assess if this variant is too frequent to cause the disease. Based on the score and internal cut-off values, a variant classified as benign is not then subjected to further curation. The score for this variant resulted in a classification of benign for this disease.

GeneDx
Classification: Benign. Last evaluated: 2015-03-03. Review status: criteria provided, single submitter. Criteria: GeneDx Variant Classification Process June 2021. Collection method: clinical testing. Allele origin: germline. Affected: yes.

Breakthrough Genomics
Classification: Benign. Review status: criteria provided, single submitter. Criteria: ACMG Guidelines, 2015. Collection method: not provided. Allele origin: germline. Inheritance: Autosomal dominant inheritance. Affected: yes.

Clinical Genetics DNA and cytogenetics Diagnostics Lab, Erasmus MC, Erasmus Medical Center
Classification: Likely benign. Review status: no assertion criteria provided. Collection method: clinical testing. Allele origin: germline. Affected: yes. Study: VKGL Data-share Consensus. Not counted in ClinVar's aggregate classification.

Genome Diagnostics Laboratory, University Medical Center Utrecht
Classification: Likely benign. Review status: no assertion criteria provided. Collection method: clinical testing. Allele origin: germline. Affected: yes. Study: VKGL Data-share Consensus. Not counted in ClinVar's aggregate classification.

NM_003978.5(PSTPIP1):c.543G>A (p.Lys181=)

Gene: PSTPIP1 (proline-serine-threonine phosphatase interacting protein 1; plus strand). Cytogenetic location: 15q24.3.
Variant type: single nucleotide variant.
Coding change: c.543G>A on transcript NM_003978.5 (MANE Select); coding-DNA position 543, G replaced by A.
Protein change: p.Lys181=; no amino-acid change (lysine 181 retained).
Molecular consequence: synonymous variant. On other transcripts: non-coding transcript variant (1).
Genome position (GRCh38, 1-based): chr15:77,029,555, G>A. VCF-style: chr15-77029555-G-A. GRCh37 (hg19) VCF-style: chr15-77321896-G-A.
Other names: p.Lys181=; c.543G>A, p.Lys181= (NM_001321135.2); c.516G>A, p.Lys172= (NM_001321136.2); c.738G>A, p.Lys246= (NM_001321137.1).
Identifiers: ClinVar variation 317175 (VCV000317175.60), dbSNP rs375950478, ClinGen allele CA7675858.
Genomic context (GRCh38, chr15:77,029,555, plus strand): 5'-GGGGCTTAGCGCTGCTTCCCCTCTGTTTCCTCAGAGTCAGAACAAAGCCAGGCAGTGCAA[G>A]GACTCGGCCACCGAGGCAGGTATGTGGGCCTGGCTGCCCCGTCCGACCAGGGCGGAGGCC-3'
Protein context (NP_003969.2, residues 171-191): EKSQNKARQC[Lys181=]DSATEAERVY